The following is an entry in ClinVar:

NM_003764.4(STX11):c.*3670C>G

Gene: STX11 (syntaxin 11; plus strand). Cytogenetic location: 6q24.2.
Variant type: single nucleotide variant.
Coding change: c.*3670C>G on transcript NM_003764.4 (MANE Select); 3670 bases downstream of the stop codon, C replaced by G.
Molecular consequence: 3 prime UTR variant.
Genome position (GRCh38, 1-based): chr6:144,191,161, C>G. VCF-style: chr6-144191161-C-G. GRCh37 (hg19) VCF-style: chr6-144512298-C-G.
Other names: c.*3670C>G (LRG_113t1).
Identifiers: ClinVar variation 355653 (VCV000355653.5), dbSNP rs79283142, ClinGen allele CA10626172.

ClinVar aggregate classification (germline): Likely benign (1 of 4 stars; one submission).

Conditions:
Familial hemophagocytic lymphohistiocytosis 4 (FHL4). Also called: STX11-Related Familial Hemophagocytic Lymphohistiocytosis (STX11-fHLH). Identifiers: Orphanet 540, MedGen C1863728, MONDO:0011336, OMIM 603552.

Allele frequency attached by ClinVar (database versions not stated): gnomAD 0.01181 and 0.01241; 1000 Genomes Project 0.01198; TOPMed 0.01205; 1000 Genomes Project 30x 0.01343.
gnomAD v4.1: 1,864 of 150,996 alleles (1.2%); highest among the groups gnomAD compares: South Asian, 2.6%; 19 homozygotes.

Submission:

Illumina Laboratory Services, Illumina
Classification: Likely benign for Familial hemophagocytic lymphohistiocytosis 4. Last evaluated: 2018-01-12. Review status: criteria provided, single submitter. Criteria: ICSL Variant Classification Criteria 13 December 2019. Collection method: clinical testing. Allele origin: germline.
Comment: This variant was observed in the ICSL laboratory as part of a predisposition screen in an ostensibly healthy population. It had not been previously curated by ICSL or reported in the Human Gene Mutation Database (HGMD: prior to June 1st, 2018), and was therefore a candidate for classification through an automated scoring system. Utilizing variant allele frequency, disease prevalence and penetrance estimates, and inheritance mode, an automated score was calculated to assess if this variant is too frequent to cause the disease. Based on the score and internal cut-off values, a variant classified as likely benign is not then subjected to further curation. The score for this variant resulted in a classification of likely benign for this disease.